The following is an entry in ClinVar:

NC_000007.13:g.(?_44143943)_(44154160_?)del

Gene: AEBP1 (AE binding protein 1; plus strand). Cytogenetic location: 7p13.
Variant type: Deletion.
Identifiers: ClinVar variation 4848489 (VCV004848489.1).

ClinVar aggregate classification (germline): Pathogenic (1 of 4 stars; one submission).

Conditions:
Ehlers-Danlos syndrome, classic-like, 2. Identifiers: Orphanet 536532, MedGen C4693870, MONDO:0054813, OMIM 618000.

Submission:

Women's Health and Genetics/Laboratory Corporation of America, LabCorp
Classification: Pathogenic for Ehlers-Danlos syndrome, classic-like, 2. Last evaluated: 2026-04-29. Review status: criteria provided, single submitter. Criteria: LabCorp Variant Classification Summary - May 2015. Collection method: clinical testing. Allele origin: germline.
Comment: Variant summary: The variant involves the deletion of exons 1-21 in the AEBP1 gene. A presumed nomenclature of c.(?_-322)_(*300_?)del has been designated for the purposes of this classification. This deletion includes the entire coding sequence of the gene. As the exact proximal and distal breakpoints are unknown, it may extend beyond the annotated region of the gene to include other flanking genes. Loss-of-function variants in this gene are known to be pathogenic. The variant was absent in 21694 control chromosomes. To our knowledge, no occurrence of c.(?_-322)_(*300_?)del in individuals affected with AEBP1-related conditions and no experimental evidence demonstrating its impact on protein function have been reported. No submitters have cited clinical-significance assessments for this variant to ClinVar. Based on the evidence outlined above, the variant was classified as pathogenic.